The following is an entry in ClinVar:

NM_177438.3(DICER1):c.3903G>A (p.Leu1301=)

Gene: DICER1 (dicer 1, ribonuclease III; minus strand). Cytogenetic location: 14q32.13.
Variant type: single nucleotide variant.
Coding change: c.3903G>A on transcript NM_177438.3 (MANE Select); coding-DNA position 3903, G replaced by A.
Protein change: p.Leu1301=; no amino-acid change (leucine 1301 retained).
Molecular consequence: synonymous variant.
Genome position (GRCh38, 1-based): chr14:95,103,493, C>T on the plus strand (G>A on the coding strand, the complement: DICER1 is on the minus strand). VCF-style: chr14-95103493-C-T. GRCh37 (hg19) VCF-style: chr14-95569830-C-T.
Other names: c.3903G>A, p.Leu1301= (NM_001195573.1, NM_001271282.3, NM_001291628.2 and 1 more transcripts).
Identifiers: ClinVar variation 417106 (VCV000417106.13), dbSNP rs1060504982, ClinGen allele CA16614320.
Genomic context (GRCh38, chr14:95,103,493, plus strand): 5'-GGAGTCGCCAAGCATTTCAAGCCGCTCCAGGTTAAATCCATCACTAGCGTTTGACAGAGT[C>T]AAAGCCTGAAGAATAAGTCCAGGATTGGGGCCAAGAGTCCTTGAGGAGTACCCAATAGAA-3'
Protein context (NP_803187.1, residues 1291-1311): GPNPGLILQA[Leu1301=]TLSNASDGFN

ClinVar aggregate classification (germline): Benign/Likely benign. Review status: criteria provided, multiple submitters, no conflicts (2 of 4 stars). 3 submissions from 3 submitters: Benign (1); Likely benign (2). Last evaluated 2026-04-17.

Conditions:
DICER1-related tumor predisposition. Also called: DICER1-related pleuropulmonary blastoma cancer predisposition syndrome; DICER1 syndrome. Identifiers: Orphanet 284343, MedGen C3839822, MONDO:0100216.
Hereditary cancer-predisposing syndrome. Also called: Hereditary Cancer Syndrome; Neoplastic Syndromes, Hereditary; Hereditary neoplastic syndrome; Tumor predisposition. Identifiers: Orphanet 140162, MedGen C0027672, MeSH D009386, MONDO:0015356.

Submissions (3):

Myriad Genetics, Inc.
Classification: Benign for DICER1-related tumor predisposition. Last evaluated: 2026-04-17. Review status: criteria provided, single submitter. Criteria: Myriad Autosomal Dominant, Autosomal Recessive and X-Linked Classification Criteria (2023). Collection method: clinical testing. Allele origin: unknown.
Comment: This variant is considered benign. This variant is a silent/synonymous amino acid change and it is not expected to impact splicing.

Labcorp Genetics (formerly Invitae), Labcorp
Classification: Likely benign for DICER1-related tumor predisposition. Last evaluated: 2025-12-21. Review status: criteria provided, single submitter. Criteria: Invitae Variant Classification Sherloc (09022015). Collection method: clinical testing. Allele origin: germline.

Ambry Genetics
Classification: Likely benign for Hereditary cancer-predisposing syndrome. Last evaluated: 2019-08-31. Review status: criteria provided, single submitter. Criteria: Ambry Variant Classification Scheme 2023. Collection method: clinical testing. Allele origin: germline.